The following is an entry in ClinVar:

NM_000492.4(CFTR):c.2321C>G (p.Thr774Arg)

Gene: CFTR (CF transmembrane conductance regulator; plus strand). Cytogenetic location: 7q31.2.
Variant type: single nucleotide variant.
Coding change: c.2321C>G on transcript NM_000492.4 (MANE Select); coding-DNA position 2321, C replaced by G.
Protein change: p.Thr774Arg; replaces threonine 774 with arginine.
Molecular consequence: missense variant.
Genome position (GRCh38, 1-based): chr7:117,592,488, C>G. VCF-style: chr7-117592488-C-G. GRCh37 (hg19) VCF-style: chr7-117232542-C-G.
Other names: short protein forms T774R.
Identifiers: ClinVar variation 2064766 (VCV002064766.4), dbSNP rs2485110527, ClinGen allele CA368980973.

ClinVar aggregate classification (germline): Uncertain significance (1 of 4 stars; one submission).

Conditions:
Cystic fibrosis (CF). Also called: MUCOVISCIDOSIS. Identifiers: Orphanet 586, MedGen C0010674, MONDO:0009061, OMIM 219700. Disease mechanism: loss of function.

Submission:

Labcorp Genetics (formerly Invitae), Labcorp
Classification: Uncertain significance for Cystic fibrosis. Last evaluated: 2022-02-20. Review status: criteria provided, single submitter. Criteria: Invitae Variant Classification Sherloc (09022015). Collection method: clinical testing. Allele origin: germline.
Comment: This variant has not been reported in the literature in individuals affected with CFTR-related conditions. In summary, the available evidence is currently insufficient to determine the role of this variant in disease. Therefore, it has been classified as a Variant of Uncertain Significance. Algorithms developed to predict the effect of missense changes on protein structure and function are either unavailable or do not agree on the potential impact of this missense change (SIFT: "Deleterious"; PolyPhen-2: "Probably Damaging"; Align-GVGD: "Class C0"). This variant is not present in population databases (gnomAD no frequency). This sequence change replaces threonine, which is neutral and polar, with arginine, which is basic and polar, at codon 774 of the CFTR protein (p.Thr774Arg).